The following is an entry in ClinVar:

ClinVar aggregate classification (germline): Likely benign. Review status: criteria provided, multiple submitters, no conflicts (2 of 4 stars). 3 submissions from 3 submitters: Likely benign (3). Last evaluated 2025-11-12.

Conditions:
Primary dilated cardiomyopathy (DCM). Also called: Dilated Cardiomyopathy. Identifiers: Orphanet 217604, MedGen C0007193, MeSH D002311, MONDO:0005021, HP:0001644. Inheritance: Various modes of inheritance.

Allele frequency attached by ClinVar (database versions not stated): ExAC 0.00004; gnomAD 0.00006 and 0.00008; gnomAD exomes 0.00006 and 0.00010; ESP Exome Variant Server 0.00008; TOPMed 0.00008; 1000 Genomes Project 0.00020; 1000 Genomes Project 30x 0.00062.
gnomAD v4.1: 160 of 1,612,630 alleles (0.0099%); highest among the groups gnomAD compares: Admixed American, 0.035%; no homozygotes.

Submissions (3):

Labcorp Genetics (formerly Invitae), Labcorp
Classification: Likely benign for Primary dilated cardiomyopathy. Last evaluated: 2025-11-12. Review status: criteria provided, single submitter. Criteria: Invitae Variant Classification Sherloc (09022015). Collection method: clinical testing. Allele origin: germline.

Ambry Genetics
Classification: Likely benign. Last evaluated: 2022-05-16. Review status: criteria provided, single submitter. Criteria: Ambry Variant Classification Scheme 2023. Collection method: clinical testing. Allele origin: germline.

GeneDx
Classification: Likely benign. Last evaluated: 2016-01-22. Review status: criteria provided, single submitter. Criteria: GeneDx Variant Classification (06012015). Collection method: clinical testing. Allele origin: germline. Affected: yes.
Comment: This variant is considered likely benign or benign based on one or more of the following criteria: it is a conservative change, it occurs at a poorly conserved position in the protein, it is predicted to be benign by multiple in silico algorithms, and/or has population frequency not consistent with disease.

NM_006393.3(NEBL):c.2619G>A (p.Ala873=)

Gene: NEBL (nebulette; minus strand). Cytogenetic location: 10p12.31.
Variant type: single nucleotide variant.
Coding change: c.2619G>A on transcript NM_006393.3 (MANE Select); coding-DNA position 2619, G replaced by A.
Protein change: p.Ala873=; no amino-acid change (alanine 873 retained).
Molecular consequence: synonymous variant. On other transcripts: intron variant (9).
Genome position (GRCh38, 1-based): chr10:20,808,652, C>T on the plus strand (G>A on the coding strand, the complement: NEBL is on the minus strand). VCF-style: chr10-20808652-C-T. GRCh37 (hg19) VCF-style: chr10-21097581-C-T.
Other names: c.421+4117G>A (NM_001377326.1, NM_001377327.1, NM_001377328.1); c.529+4117G>A (NM_213569.2, NM_001173484.2); c.622+1154G>A (NM_001377322.1); c.472+4117G>A (NM_001377324.1); c.463+4117G>A (NM_001377325.1); c.481+4117G>A (NM_001377323.1).
Identifiers: ClinVar variation 383206 (VCV000383206.12), dbSNP rs140803920, ClinGen allele CA5432376.